The following is an entry in ClinVar:

ClinVar aggregate classification (germline): Likely pathogenic (1 of 4 stars; one submission).

Conditions:
Methylmalonic aciduria, cblA type (MACA). Also called: Methylmalonic aciduria, vitamin B12-responsive; Vitamin B12-responsive methylmalonic acidemia type cblA; Methylmalonic aciduria, vitamin b12-responsive, due to defect in synthesis of adenosylcobalamin, cbla complementation type; MMA cbl A type; Methylmalonic acidemia cblA type. Identifiers: Orphanet 28, Orphanet 79310, MedGen C1855109, MONDO:0009613, OMIM 251100.

Submission:

3billion
Classification: Likely pathogenic for Methylmalonic aciduria, cblA type. Last evaluated: 2025-11-04. Review status: criteria provided, single submitter. Criteria: ACMG Guidelines, 2015. Collection method: clinical testing. Allele origin: germline. Affected: yes.
Comment: The variant is not observed in the gnomAD v4.1.0 dataset. Predicted Consequence/Location: Stop-gained (nonsense): predicted to result in a loss or disruption of normal protein function through nonsense-mediated decay (NMD) or protein truncation. Multiple pathogenic variants are reported downstream of the variant. Therefore, this variant is classified as Likely pathogenic according to the recommendation of ACMG/AMP guideline.

NM_172250.3(MMAA):c.343A>T (p.Lys115Ter)

Gene: MMAA (metabolism of cobalamin associated A; plus strand). Cytogenetic location: 4q31.21.
Variant type: single nucleotide variant.
Coding change: c.343A>T on transcript NM_172250.3 (MANE Select); coding-DNA position 343, A replaced by T.
Protein change: p.Lys115Ter; replaces lysine 115 with a stop codon.
Molecular consequence: nonsense.
Genome position (GRCh38, 1-based): chr4:145,639,482, A>T. VCF-style: chr4-145639482-A-T. GRCh37 (hg19) VCF-style: chr4-146560634-A-T.
Other names: c.343A>T, p.Lys115Ter (NM_001375644.1); short protein forms K115*.
Identifiers: ClinVar variation 4856123 (VCV004856123.1).
Genomic context (GRCh38, chr4:145,639,482, plus strand): 5'-CAAGGGCAAAGGGCCTGTTTAGCAGAGGCCATAACTCTTGTAGAATCAACTCACAGCAGG[A>T]AAAAGGAGTTAGCCCAGGTGCTTCTTCAGAAAGTATTACTTTACCACAGAGAACAAGAAC-3'